The following is an entry in ClinVar:

ClinVar aggregate classification (germline): Uncertain significance (1 of 4 stars; one submission).

Conditions:
Hereditary cancer-predisposing syndrome. Also called: Hereditary neoplastic syndrome; Tumor predisposition; Hereditary Cancer Syndrome; Neoplastic Syndromes, Hereditary. Identifiers: Orphanet 140162, MedGen C0027672, MeSH D009386, MONDO:0015356.

Submission:

Color Diagnostics, LLC DBA Color Health
Classification: Uncertain significance for Hereditary cancer-predisposing syndrome. Last evaluated: 2023-12-04. Review status: criteria provided, single submitter. Criteria: ACMG Guidelines, 2015. Collection method: clinical testing. Allele origin: germline.
Comment: This missense variant replaces arginine with serine at codon 287 of the PMS2 protein. Computational prediction suggests that this variant may have deleterious impact on protein structure and function (internally defined REVEL score threshold >= 0.7, PMID: 27666373). To our knowledge, functional studies have not been reported for this variant. This variant has not been reported in individuals affected with PMS2-related disorders in the literature. This variant has not been identified in the general population by the Genome Aggregation Database (gnomAD). The available evidence is insufficient to determine the role of this variant in disease conclusively. Therefore, this variant is classified as a Variant of Uncertain Significance.

NM_000535.7(PMS2):c.861A>T (p.Arg287Ser)

Gene: PMS2 (PMS1 homolog 2, mismatch repair system component; minus strand). Cytogenetic location: 7p22.1.
Variant type: single nucleotide variant.
Coding change: c.861A>T on transcript NM_000535.7 (MANE Select); coding-DNA position 861, A replaced by T.
Protein change: p.Arg287Ser; replaces arginine 287 with serine.
Molecular consequence: missense variant. On other transcripts: 5 prime UTR variant (2), non-coding transcript variant (1).
Genome position (GRCh38, 1-based): chr7:5,995,576, T>A on the plus strand (A>T on the coding strand, the complement: PMS2 is on the minus strand). VCF-style: chr7-5995576-T-A. GRCh37 (hg19) VCF-style: chr7-6035207-T-A.
Other names: c.456A>T, p.Arg152Ser (NM_001322003.2, NM_001322004.2, NM_001322005.2 and 2 more transcripts); c.861A>T, p.Arg287Ser (NM_001322006.2, NM_001322014.2); c.543A>T, p.Arg181Ser (NM_001322007.2, NM_001322008.2); c.-73A>T (NM_001322011.2, NM_001322012.2); c.288A>T, p.Arg96Ser (NM_001322013.2); c.552A>T, p.Arg184Ser (NM_001322015.2); short protein forms R287S, R184S, R152S, R96S, R181S.
Identifiers: ClinVar variation 492302 (VCV000492302.6), dbSNP rs1554300756, ClinGen allele CA366743475.